The following is an entry in ClinVar:

NM_022124.6(CDH23):c.7444G>A (p.Gly2482Arg)

Gene: CDH23 (cadherin related 23; plus strand). Cytogenetic location: 10q22.1.
Variant type: single nucleotide variant.
Coding change: c.7444G>A on transcript NM_022124.6 (MANE Select); coding-DNA position 7444, G replaced by A.
Protein change: p.Gly2482Arg; replaces glycine 2482 with arginine.
Molecular consequence: missense variant.
Genome position (GRCh38, 1-based): chr10:71,800,717, G>A. VCF-style: chr10-71800717-G-A. GRCh37 (hg19) VCF-style: chr10-73560474-G-A.
Other names: c.724G>A, p.Gly242Arg (NM_001171933.1, NM_001171934.1); c.7444G>A (NM_022124.5); short protein forms G2482R, G242R.
Identifiers: ClinVar variation 2151102 (VCV002151102.2), dbSNP rs779117985, ClinGen allele CA5546348.

ClinVar aggregate classification (germline): Uncertain significance. Review status: criteria provided, multiple submitters, no conflicts (2 of 4 stars). 2 submissions from 2 submitters: Uncertain significance (2). Last evaluated 2026-07-22.

Conditions:
CDH23-related disorder. Also called: CDH23-related condition; CDH23-related disorders.

Allele frequency attached by ClinVar (database versions not stated): gnomAD 0.00001; gnomAD exomes 0.00001; ExAC 0.00002; TOPMed 0.00002.

Submissions (2):

PreventionGenetics, part of Exact Sciences
Classification: Uncertain significance for CDH23-related condition. Last evaluated: 2026-07-22. Review status: criteria provided, single submitter. Criteria: ACMG Guidelines, 2015. Collection method: clinical testing. Allele origin: germline.
Comment: The CDH23 c.7444G>A variant is predicted to result in the amino acid substitution p.Gly2482Arg. To our knowledge, this variant has not been reported in the literature. This variant is reported in 0.0058% of alleles in individuals of Latino descent in gnomAD. At this time, the clinical significance of this variant is uncertain due to the absence of conclusive functional and genetic evidence.

Labcorp Genetics (formerly Invitae), Labcorp
Classification: Uncertain significance. Last evaluated: 2022-10-04. Review status: criteria provided, single submitter. Criteria: Invitae Variant Classification Sherloc (09022015). Collection method: clinical testing. Allele origin: germline.
Comment: This sequence change replaces glycine, which is neutral and non-polar, with arginine, which is basic and polar, at codon 2482 of the CDH23 protein (p.Gly2482Arg). This variant is present in population databases (rs779117985, gnomAD 0.006%). This variant has not been reported in the literature in individuals affected with CDH23-related conditions. Advanced modeling of protein sequence and biophysical properties (such as structural, functional, and spatial information, amino acid conservation, physicochemical variation, residue mobility, and thermodynamic stability) performed at Invitae indicates that this missense variant is not expected to disrupt CDH23 protein function. In summary, the available evidence is currently insufficient to determine the role of this variant in disease. Therefore, it has been classified as a Variant of Uncertain Significance.